The following is an entry in ClinVar:

ClinVar aggregate classification (germline): Uncertain significance (1 of 4 stars; one submission).

Submission:

GeneDx
Classification: Uncertain significance. Last evaluated: 2018-03-20. Review status: criteria provided, single submitter. Criteria: GeneDx Variant Classification (06012015). Collection method: clinical testing. Allele origin: germline. Affected: yes.
Comment: A variant of uncertain significance has been identified in the KCNH2 gene. The L15Q variant has not been published as pathogenic or been reported as benign to our knowledge. This variant is not observed in large population cohorts (Lek et al., 2016). The L15Q variant is a non-conservative amino acid substitution, which is likely to impact secondary protein structure as these residues differ in polarity, charge, size and/or other properties. In-silico analyses, including protein predictors and evolutionary conservation, support a deleterious effect. Nevertheless, this variant lacks observation in a significant number of affected individuals, segregation data, and functional evidence, which would further clarify its pathogenicity.

NM_000238.4(KCNH2):c.44T>A (p.Leu15Gln)

Gene: KCNH2 (potassium voltage-gated channel subfamily H member 2; minus strand). Cytogenetic location: 7q36.1.
Variant type: single nucleotide variant.
Coding change: c.44T>A on transcript NM_000238.4 (MANE Select); coding-DNA position 44, T replaced by A.
Protein change: p.Leu15Gln; replaces leucine 15 with glutamine.
Molecular consequence: missense variant.
Genome position (GRCh38, 1-based): chr7:150,977,870, A>T on the plus strand (T>A on the coding strand, the complement: KCNH2 is on the minus strand). VCF-style: chr7-150977870-A-T. GRCh37 (hg19) VCF-style: chr7-150674958-A-T.
Other names: p.L15Q:CTG>CAG; c.44T>A, p.Leu15Gln (NM_172056.3); short protein forms L15Q.
Identifiers: ClinVar variation 200594 (VCV000200594.4), dbSNP rs794728418, ClinGen allele CA008465.